The following is an entry in ClinVar:

NM_001818.5(AKR1C4):c.-15AAG[1]

Gene: AKR1C4 (aldo-keto reductase family 1 member C4; plus strand). Cytogenetic location: 10p15.1.
Variant type: Microsatellite.
Coding change: c.-15AAG[1] on transcript NM_001818.5 (MANE Select); one copy of the 3-base unit AAG starting at c.-15; the reference has two copies in a row; one copy, 3 bases deleted.
Molecular consequence: 5 prime UTR variant.
Genome position (GRCh38, 1-based): chr10:5,196,856-5,196,858, AAG deleted; deleting any 3 consecutive bases within chr10:5,196,853-5,196,858 gives the same sequence; the position shown is the placement nearest the transcript's 3' end. VCF-style (leftmost placement, unchanged base first): chr10-5196852-AAAG-A. GRCh37 (hg19) VCF-style: chr10-5238815-AAAG-A.
Identifiers: ClinVar variation 3354713 (VCV003354713.1).

ClinVar aggregate classification (germline): Likely benign (0 of 4 stars; one submission).

Conditions:
AKR1C4-related disorder. Also called: AKR1C4-related condition.

Submission:

PreventionGenetics, part of Exact Sciences
Classification: Likely benign for AKR1C4-related condition. Last evaluated: 2024-09-23. Review status: no assertion criteria provided. Collection method: clinical testing. Allele origin: germline.
Comment: This variant is classified as likely benign based on ACMG/AMP sequence variant interpretation guidelines (Richards et al. 2015 PMID: 25741868, with internal and published modifications).